The following is an entry in ClinVar:

ClinVar aggregate classification (germline): Uncertain significance (1 of 4 stars; one submission).

Submission:

CeGaT Center for Human Genetics Tuebingen
Classification: Uncertain significance. Last evaluated: 2023-02-01. Review status: criteria provided, single submitter. Criteria: CeGaT Center For Human Genetics Tuebingen Variant Classification Criteria Version 2. Collection method: clinical testing. Allele origin: germline. Affected: yes. Observed: 1 variant allele.
Comment: LMNB2: PM2

NM_032737.4(LMNB2):c.1859T>C (p.Met620Thr)

Gene: LMNB2 (lamin B2; minus strand). Cytogenetic location: 19p13.3.
Variant type: single nucleotide variant.
Coding change: c.1859T>C on transcript NM_032737.4 (MANE Select); coding-DNA position 1859, T replaced by C.
Protein change: p.Met620Thr; replaces methionine 620 with threonine.
Molecular consequence: missense variant.
Genome position (GRCh38, 1-based): chr19:2,430,915, A>G on the plus strand (T>C on the coding strand, the complement: LMNB2 is on the minus strand). VCF-style: chr19-2430915-A-G. GRCh37 (hg19) VCF-style: chr19-2430913-A-G.
Other names: short protein forms M620T.
Identifiers: ClinVar variation 2648976 (VCV002648976.24), dbSNP rs2512231324, ClinGen allele CA403248742.